The following is an entry in ClinVar:

ClinVar aggregate classification (germline): Uncertain significance (1 of 4 stars; one submission).

gnomAD v4.1: 3 of 1,613,954 alleles (0.00019%); highest among the groups gnomAD compares: Non-Finnish European, 0.00025%; no homozygotes.

Submission:

GeneDx
Classification: Uncertain significance. Last evaluated: 2024-09-27. Review status: criteria provided, single submitter. Criteria: GeneDx Variant Classification Process June 2021. Collection method: clinical testing. Allele origin: germline. Affected: yes.
Comment: Not observed at significant frequency in large population cohorts (gnomAD); In silico analysis supports that this missense variant has a deleterious effect on protein structure/function; Has not been previously published as pathogenic or benign to our knowledge; Occurs in the triple helical domain at the Y position in the canonical Gly-X-Y repeat; although this variant may have an effect on normal protein folding and function, missense substitution at the Y position is not a common mechanism of disease

NM_001845.6(COL4A1):c.1654C>T (p.Pro552Ser)

Gene: COL4A1 (collagen type IV alpha 1 chain; minus strand). Cytogenetic location: 13q34.
Variant type: single nucleotide variant.
Coding change: c.1654C>T on transcript NM_001845.6 (MANE Select); coding-DNA position 1654, C replaced by T.
Protein change: p.Pro552Ser; replaces proline 552 with serine.
Molecular consequence: missense variant.
Genome position (GRCh38, 1-based): chr13:110,187,212, G>A on the plus strand (C>T on the coding strand, the complement: COL4A1 is on the minus strand). VCF-style: chr13-110187212-G-A. GRCh37 (hg19) VCF-style: chr13-110839559-G-A.
Other names: short protein forms P552S.
Identifiers: ClinVar variation 3774712 (VCV003774712.1).